The following is an entry in ClinVar:

NM_024675.4(PALB2):c.1138_1148del (p.Ser380fs)

Gene: PALB2 (partner and localizer of BRCA2; minus strand). Cytogenetic location: 16p12.2.
Variant type: Deletion.
Coding change: c.1138_1148del on transcript NM_024675.4 (MANE Select); coding-DNA positions 1138 to 1148, 11 bases deleted (AGTCTTAGCCT).
Protein change: p.Ser380fs; shifts the reading frame from serine 380.
Molecular consequence: frameshift variant. On other transcripts: intron variant (3).
Genome position (GRCh38, 1-based): chr16:23,635,398-23,635,408, AGGCTAAGACT deleted on the plus strand (AGTCTTAGCCT on the coding strand, the reverse complement: PALB2 is on the minus strand). VCF-style (leftmost placement, unchanged base first): chr16-23635397-CAGGCTAAGACT-C. GRCh37 (hg19) VCF-style: chr16-23646718-CAGGCTAAGACT-C.
Other names: c.1078_1088del, p.Ser360fs (NM_001407296.1); c.1138_1148del, p.Ser380fs (NM_001407297.1, NM_001407298.1, NM_001407299.1 and 3 more transcripts); c.253_263del, p.Ser85fs (NM_001407304.1, NM_001407305.1, NM_001407306.1 and 5 more transcripts); c.48+5702_48+5712del (NM_001407314.1); c.-104-4939_-104-4929del (NM_001407313.1, NM_001407312.1); c.1138_1148del11 (NM_024675.3); short protein forms S380fs, S360fs, S85fs.
Identifiers: ClinVar variation 2587421 (VCV002587421.5), dbSNP rs2506487272, ClinGen allele CA2582342511.
Genomic context (GRCh38, chr16:23,635,397, plus strand): 5'-CAGAAGGCCTTCAGGCACTGTGCAAGAATGTTTTTCTGCAGAAAGAGGAGAGGTTGCTTC[CAGGCTAAGACT>C]CTTAGGTTGACTTAGAATCTCACTTTCCTGAAGATTTTCATTCCTGCCATCAAGAGTGTC-3'

ClinVar aggregate classification (germline): Pathogenic. Review status: criteria provided, multiple submitters, no conflicts (2 of 4 stars). 2 submissions from 2 submitters: Pathogenic (2). Last evaluated 2023-09-17.

Conditions:
Hereditary cancer-predisposing syndrome. Also called: Tumor predisposition; Hereditary Cancer Syndrome; Hereditary neoplastic syndrome; Neoplastic Syndromes, Hereditary. Identifiers: Orphanet 140162, MedGen C0027672, MeSH D009386, MONDO:0015356.
Familial cancer of breast. Also called: BREAST CANCER, FAMILIAL; Hereditary breast cancer; hereditary breast carcinoma. Identifiers: Orphanet 227535, MedGen C0346153, MONDO:0016419, OMIM 114480. Disease mechanism: loss of function.

Submissions (2):

Labcorp Genetics (formerly Invitae), Labcorp
Classification: Pathogenic for Familial cancer of breast. Last evaluated: 2023-09-17. Review status: criteria provided, single submitter. Criteria: Invitae Variant Classification Sherloc (09022015). Collection method: clinical testing. Allele origin: germline.
Comment: For these reasons, this variant has been classified as Pathogenic. This variant has not been reported in the literature in individuals affected with PALB2-related conditions. This variant is not present in population databases (gnomAD no frequency). This sequence change creates a premature translational stop signal (p.Ser380Glyfs*17) in the PALB2 gene. It is expected to result in an absent or disrupted protein product. Loss-of-function variants in PALB2 are known to be pathogenic (PMID: 17200668, 17200671, 17200672, 24136930, 25099575).

Ambry Genetics
Classification: Pathogenic for Hereditary cancer-predisposing syndrome. Last evaluated: 2023-09-14. Review status: criteria provided, single submitter. Criteria: Ambry Variant Classification Scheme 2023. Collection method: clinical testing. Allele origin: germline.
Comment: The c.1138_1148del11 pathogenic mutation, located in coding exon 4 of the PALB2 gene, results from a deletion of 11 nucleotides at nucleotide positions 1138 to 1148, causing a translational frameshift with a predicted alternate stop codon (p.S380Gfs*17). This variant is considered to be rare based on population cohorts in the Genome Aggregation Database (gnomAD). This alteration is expected to result in loss of function by premature protein truncation or nonsense-mediated mRNA decay. As such, this alteration is interpreted as a disease-causing mutation.

Literature cited by the submitters: PubMed 17200668 (cited by Labcorp Genetics (formerly Invitae), Labcorp); PubMed 17200671 (cited by Labcorp Genetics (formerly Invitae), Labcorp); PubMed 17200672 (cited by Labcorp Genetics (formerly Invitae), Labcorp); PubMed 24136930 (cited by Labcorp Genetics (formerly Invitae), Labcorp); PubMed 25099575 (cited by Labcorp Genetics (formerly Invitae), Labcorp).